The following is an entry in ClinVar:

ClinVar aggregate classification (germline): Uncertain significance (1 of 4 stars; one submission).

Submission:

Ambry Genetics
Classification: Uncertain significance. Last evaluated: 2022-06-20. Review status: criteria provided, single submitter. Criteria: Ambry Variant Classification Scheme 2023. Collection method: clinical testing. Allele origin: germline.
Comment: The p.M482L variant (also known as c.1444A>T), located in coding exon 8 of the GALNT12 gene, results from an A to T substitution at nucleotide position 1444. The methionine at codon 482 is replaced by leucine, an amino acid with highly similar properties. This amino acid position is conserved. In addition, this alteration is predicted to be tolerated by in silico analysis. Since supporting evidence is limited at this time, the clinical significance of this alteration remains unclear.

NM_024642.5(GALNT12):c.1444A>T (p.Met482Leu)

Gene: GALNT12 (polypeptide N-acetylgalactosaminyltransferase 12; plus strand). Cytogenetic location: 9q22.33.
Variant type: single nucleotide variant.
Coding change: c.1444A>T on transcript NM_024642.5 (MANE Select); coding-DNA position 1444, A replaced by T.
Protein change: p.Met482Leu; replaces methionine 482 with leucine.
Molecular consequence: missense variant.
Genome position (GRCh38, 1-based): chr9:98,844,195, A>T. VCF-style: chr9-98844195-A-T. GRCh37 (hg19) VCF-style: chr9-101606477-A-T.
Other names: short protein forms M482L.
Identifiers: ClinVar variation 1772766 (VCV001772766.2), dbSNP rs1473728229, ClinGen allele CA374221535.